The following is an entry in ClinVar:

NM_001005242.3(PKP2):c.15C>T (p.Gly5=)

Gene: PKP2 (plakophilin 2; minus strand). Cytogenetic location: 12p11.21.
Variant type: single nucleotide variant.
Coding change: c.15C>T on transcript NM_001005242.3 (MANE Select); coding-DNA position 15, C replaced by T.
Protein change: p.Gly5=; no amino-acid change (glycine 5 retained).
Molecular consequence: synonymous variant.
Genome position (GRCh38, 1-based): chr12:32,896,717, G>A on the plus strand (C>T on the coding strand, the complement: PKP2 is on the minus strand). VCF-style: chr12-32896717-G-A. GRCh37 (hg19) VCF-style: chr12-33049651-G-A.
Other names: c.15C>T, p.Gly5= (NM_004572.4).
Identifiers: ClinVar variation 955896 (VCV000955896.12), dbSNP rs1390632513, ClinGen allele CA479175983.

ClinVar aggregate classification (germline): Likely benign. Review status: criteria provided, multiple submitters, no conflicts (2 of 4 stars). 3 submissions from 3 submitters: Likely benign (3). Last evaluated 2023-12-13.

Conditions:
Arrhythmogenic right ventricular cardiomyopathy (ARVD). Also called: Arrhythmogenic cardiomyopathy; Cardiomyopathy, ARVC; Arrhythmogenic right ventricular dysplasia; Arrhythmogenic Right Ventricular Cardiomyopathy (ARVC). Identifiers: Orphanet 247, MedGen C0349788, MeSH D019571, MONDO:0016587. Disease mechanism: loss of function. Inheritance: Various modes of inheritance.
Cardiomyopathy (CMYO). Also called: Cardiomyopathies. Identifiers: Orphanet 167848, MedGen C0878544, MONDO:0004994, HP:0001638. Inheritance: Various modes of inheritance.
Arrhythmogenic right ventricular dysplasia 9 (ARVD9). Also called: Arrhythmogenic Right Ventricular Dysplasia/Cardiomyopathy 9; ARRHYTHMOGENIC RIGHT VENTRICULAR DYSPLASIA, FAMILIAL, 9. Identifiers: MedGen C1836906, MONDO:0012180, OMIM 609040.

Allele frequency attached by ClinVar (database versions not stated): gnomAD 0.00001.

Submissions (3):

Labcorp Genetics (formerly Invitae), Labcorp
Classification: Likely benign for Arrhythmogenic right ventricular dysplasia 9. Last evaluated: 2023-12-13. Review status: criteria provided, single submitter. Criteria: Invitae Variant Classification Sherloc (09022015). Collection method: clinical testing. Allele origin: germline.

All of Us Research Program, National Institutes of Health
Classification: Likely benign for Arrhythmogenic right ventricular cardiomyopathy. Last evaluated: 2023-11-30. Review status: criteria provided, single submitter. Criteria: ACMG Guidelines, 2015. Collection method: clinical testing. Allele origin: germline. Inheritance: Autosomal dominant inheritance. Observed: 1 variant allele, 1 heterozygote.
Comment: This study involves interpretation of variants in research participants for the purpose of population health screening. Participant phenotype was not available at the time of variant classification. Additional details can be found in publication PMID: 35346344, PMCID: PMC8962531

Color Diagnostics, LLC DBA Color Health
Classification: Likely benign for Cardiomyopathy. Last evaluated: 2020-09-28. Review status: criteria provided, single submitter. Criteria: ACMG Guidelines, 2015. Collection method: clinical testing. Allele origin: germline.